The following is an entry in ClinVar:

NM_001303256.3(MORC2):c.3007G>A (p.Ala1003Thr)

Gene: MORC2 (MORC family CW-type zinc finger 2; minus strand). Cytogenetic location: 22q12.2.
Variant type: single nucleotide variant.
Coding change: c.3007G>A on transcript NM_001303256.3 (MANE Select); coding-DNA position 3007, G replaced by A.
Protein change: p.Ala1003Thr; replaces alanine 1003 with threonine.
Molecular consequence: missense variant.
Genome position (GRCh38, 1-based): chr22:30,928,042, C>T on the plus strand (G>A on the coding strand, the complement: MORC2 is on the minus strand). VCF-style: chr22-30928042-C-T. GRCh37 (hg19) VCF-style: chr22-31324029-C-T.
Other names: c.3007G>A, p.Ala1003Thr (NM_001303257.2); c.2821G>A, p.Ala941Thr (NM_014941.3); short protein forms A1003T, A941T.
Identifiers: ClinVar variation 2014966 (VCV002014966.4), dbSNP rs2517556488, ClinGen allele CA411229613.

ClinVar aggregate classification (germline): Uncertain significance (1 of 4 stars; one submission).

Conditions:
Charcot-Marie-Tooth disease axonal type 2Z. Also called: CHARCOT-MARIE-TOOTH DISEASE, AXONAL, AUTOSOMAL DOMINANT, TYPE 2Z; CHARCOT-MARIE-TOOTH NEUROPATHY, TYPE 2Z. Identifiers: Orphanet 466768, MedGen C5569025, MONDO:0014736, OMIM 616688.

Submission:

Labcorp Genetics (formerly Invitae), Labcorp
Classification: Uncertain significance for Charcot-Marie-Tooth disease axonal type 2Z. Last evaluated: 2022-07-08. Review status: criteria provided, single submitter. Criteria: Invitae Variant Classification Sherloc (09022015). Collection method: clinical testing. Allele origin: germline.
Comment: This sequence change replaces alanine, which is neutral and non-polar, with threonine, which is neutral and polar, at codon 1003 of the MORC2 protein (p.Ala1003Thr). This variant is not present in population databases (gnomAD no frequency). This variant has not been reported in the literature in individuals affected with MORC2-related conditions. Algorithms developed to predict the effect of missense changes on protein structure and function are either unavailable or do not agree on the potential impact of this missense change (SIFT: "Not Available"; PolyPhen-2: "Benign"; Align-GVGD: "Not Available"). In summary, the available evidence is currently insufficient to determine the role of this variant in disease. Therefore, it has been classified as a Variant of Uncertain Significance.